The following is an entry in ClinVar:

ClinVar aggregate classification (germline): Pathogenic (1 of 4 stars; one submission).

Submission:

ISCA site 4
Classification: Pathogenic. Last evaluated: 2011-08-12. Review status: criteria provided, single submitter. Criteria: Kaminsky et al. (Genet Med. 2011). Collection method: clinical testing. Allele origin: unknown. Affected: yes. Observed: 1 variant allele.
Comment: Copy number variation identified through the course of routine clinical cytogenomic testing in postnatal populations. Clinical assertions have been curated as described in Kaminsky et al. 2011.

GRCh38/hg38 16q23.3-24.3(chr16:82173150-90081985)x3

Genes: MAP1LC3B (microtubule associated protein 1 light chain 3 beta; plus strand), MBTPS1 (membrane bound transcription factor peptidase, site 1; minus strand), MBTPS1-DT (MBTPS1 divergent transcript; plus strand), MC1R (melanocortin 1 receptor; plus strand), MEAK7 (MTOR associated protein MEAK7; minus strand) and 566 more. Cytogenetic location: 16q23.3-24.3.
Variant type: copy number gain.
Change: copy number 3 (three copies instead of two) of chr16:82,173,150-90,081,985 (7.91 Mb, GRCh38 coordinates, 1-based), cytogenetic band 16q23.3-24.3.
Identifiers: ClinVar variation 58648 (VCV000058648.2).